The following is an entry in ClinVar:

ClinVar aggregate classification (germline): Pathogenic (1 of 4 stars; one submission).

Conditions:
L1 syndrome. Identifiers: Orphanet 275543, MedGen C5779710, MONDO:0017140.

Submission:

Women's Health and Genetics/Laboratory Corporation of America, LabCorp
Classification: Pathogenic for L1 syndrome. Last evaluated: 2025-12-29. Review status: criteria provided, single submitter. Criteria: LabCorp Variant Classification Summary - May 2015. Collection method: clinical testing. Allele origin: germline.
Comment: Variant summary: L1CAM c.2472delC (p.Asn825ThrfsX26) results in a premature termination codon, predicted to cause a truncation of the encoded protein or absence of the protein due to nonsense mediated decay, which are commonly known mechanisms for disease. The variant was absent in 183492 control chromosomes. To our knowledge, no occurrence of c.2472delC in individuals affected with L1CAM-related conditions and no experimental evidence demonstrating its impact on protein function have been reported. No submitters have cited clinical-significance assessments for this variant to ClinVar. Based on the evidence outlined above, the variant was classified as pathogenic.

NM_001278116.2(L1CAM):c.2472del (p.Asn825fs)

Gene: L1CAM (L1 cell adhesion molecule; minus strand). Cytogenetic location: Xq28.
Variant type: Deletion.
Coding change: c.2472del on transcript NM_001278116.2 (MANE Select); coding-DNA position 2472, one base deleted (C; older notation c.2472delC).
Protein change: p.Asn825fs; shifts the reading frame from asparagine 825.
Molecular consequence: frameshift variant.
Genome position (GRCh38, 1-based): chrX:153,865,779, G deleted on the plus strand (C on the coding strand, the reverse complement: L1CAM is on the minus strand). VCF-style (leftmost placement, unchanged base first): chrX-153865778-TG-T. GRCh37 (hg19) VCF-style: chrX-153131233-TG-T.
Other names: c.2472del, p.Asn825fs (NM_000425.5, NM_024003.3); c.2457del, p.Asn820fs (NM_001143963.2); c.2472delC (NM_000425.5); short protein forms N820fs, N825fs.
Identifiers: ClinVar variation 4688744 (VCV004688744.1).